The following is an entry in ClinVar:

ClinVar aggregate classification (germline): Uncertain significance. Review status: criteria provided, multiple submitters, no conflicts (2 of 4 stars). 3 submissions from 3 submitters: Uncertain significance (3). Last evaluated 2026-08-03.

Conditions:
Inborn genetic diseases. Identifiers: MedGen C0950123, MeSH D030342.
THOC2-related disorder. Also called: THOC2-related condition.

gnomAD v4.1: 1 of 1,173,048 alleles (0.000085%); highest among the groups gnomAD compares: Non-Finnish European, 0.00011%; no homozygotes.

Submissions (3):

Ambry Genetics
Classification: Uncertain significance for Inborn genetic diseases. Last evaluated: 2026-08-03. Review status: criteria provided, single submitter. Criteria: Ambry Variant Classification Scheme 2023. Collection method: clinical testing. Allele origin: germline.

GeneDx
Classification: Uncertain significance. Last evaluated: 2025-07-30. Review status: criteria provided, single submitter. Criteria: GeneDx Variant Classification Process June 2021. Collection method: clinical testing. Allele origin: germline.
Comment: Not observed at significant frequency in large population cohorts (gnomAD); In silico analysis supports that this missense variant has a deleterious effect on protein structure/function; Has not been previously published as pathogenic or benign to our knowledge

PreventionGenetics, part of Exact Sciences
Classification: Uncertain significance for THOC2-related condition. Last evaluated: 2025-03-06. Review status: criteria provided, single submitter. Criteria: ACMG Guidelines, 2015. Collection method: clinical testing. Allele origin: germline.
Comment: The THOC2 c.784A>G variant is predicted to result in the amino acid substitution p.Thr262Ala. To our knowledge, this variant has not been reported in the literature or in a large population database (gnomAD), indicating this variant is rare. At this time, the clinical significance of this variant is uncertain due to the absence of conclusive functional and genetic evidence.

NM_001081550.2(THOC2):c.784A>G (p.Thr262Ala)

Gene: THOC2 (THO complex subunit 2; minus strand). Cytogenetic location: Xq25.
Variant type: single nucleotide variant.
Coding change: c.784A>G on transcript NM_001081550.2 (MANE Select); coding-DNA position 784, A replaced by G.
Protein change: p.Thr262Ala; replaces threonine 262 with alanine.
Molecular consequence: missense variant.
Genome position (GRCh38, 1-based): chrX:123,671,746, T>C on the plus strand (A>G on the coding strand, the complement: THOC2 is on the minus strand). VCF-style: chrX-123671746-T-C. GRCh37 (hg19) VCF-style: chrX-122805597-T-C.
Other names: short protein forms T262A.
Identifiers: ClinVar variation 2576801 (VCV002576801.4), dbSNP rs1412537425, ClinGen allele CA414271488.
Genomic context (GRCh38, chrX:123,671,746, plus strand): 5'-CTAAATCAATAAGATTAAATTGTAGAAGTACTGCTGCAACTCTGTATAAAGATGATGGTG[T>C]CTCGCCATTTGGTTCCTAGAAATATAAAAAAAAAAGTTTCCATTTAGTGCAGAAAGGACA-3'
Protein context (NP_001075019.1, residues 252-272): FKFYQEPNGE[Thr262Ala]PSSLYRVAAV